The following is an entry in ClinVar:

NM_000179.3(MSH6):c.3469G>C (p.Gly1157Arg)

Gene: MSH6 (mutS homolog 6; plus strand). Cytogenetic location: 2p16.3.
Variant type: single nucleotide variant.
Coding change: c.3469G>C on transcript NM_000179.3 (MANE Select); coding-DNA position 3469, G replaced by C.
Protein change: p.Gly1157Arg; replaces glycine 1157 with arginine.
Molecular consequence: missense variant. On other transcripts: non-coding transcript variant (4).
Genome position (GRCh38, 1-based): chr2:47,804,940, G>C. VCF-style: chr2-47804940-G-C. GRCh37 (hg19) VCF-style: chr2-48032079-G-C.
Other names: c.3079G>C, p.Gly1027Arg (NM_001281492.2); c.2563G>C, p.Gly855Arg (NM_001281493.2, NM_001406823.1, NM_001406829.1 and 6 more transcripts); c.3172G>C, p.Gly1058Arg (NM_001406819.1, NM_001406820.1, NM_001406821.1 and 10 more transcripts); c.3301G>C, p.Gly1101Arg (NM_001406826.1); c.250G>C, p.Gly84Arg (NM_001406831.1); c.316G>C, p.Gly106Arg (NM_001406832.1); c.1414G>C, p.Gly472Arg (NM_001407362.1); c.3565G>C, p.Gly1189Arg (NM_001406795.1, NM_001406802.1); and 7 more; short protein forms G106R, G1131R, G1157R, G472R, G1027R, G1058R, G1099R, G1101R.
Identifiers: ClinVar variation 4843683 (VCV004843683.1).

ClinVar aggregate classification (germline): Likely pathogenic (1 of 4 stars; one submission).

Conditions:
Hereditary cancer-predisposing syndrome. Also called: Neoplastic Syndromes, Hereditary; Tumor predisposition; Hereditary Cancer Syndrome; Hereditary neoplastic syndrome. Identifiers: Orphanet 140162, MedGen C0027672, MeSH D009386, MONDO:0015356.

Submission:

Ambry Genetics
Classification: Likely pathogenic for Hereditary cancer-predisposing syndrome. Last evaluated: 2025-12-22. Review status: criteria provided, single submitter. Criteria: Ambry Variant Classification Scheme 2023. Collection method: clinical testing. Allele origin: germline.
Comment: The p.G1157R variant (also known as c.3469G>C), located in coding exon 6 of the MSH6 gene, results from a G to C substitution at nucleotide position 3469. The glycine at codon 1157 is replaced by arginine, an amino acid with dissimilar properties. Other variant(s) at the same codon, p.G1157D (c.3470G>A) have been identified in individual(s) with features consistent with lynch syndrome (Ambry internal data). This amino acid position is highly conserved in available vertebrate species. In addition, this alteration is predicted to be deleterious by in silico analysis. This variant is considered to be rare based on population cohorts in the Genome Aggregation Database (gnomAD). Based on the majority of available evidence to date, this variant is likely to be pathogenic.